The following is an entry in ClinVar:

ClinVar aggregate classification (germline): Likely pathogenic (1 of 4 stars; one submission).

Conditions:
Myofibrillar myopathy 10. Identifiers: MedGen C5436656, MONDO:0033620, OMIM 619040.

Submission:

Clinical Genetics Laboratory, University Hospital Schleswig-Holstein
Classification: Likely pathogenic for Myofibrillar myopathy 10. Last evaluated: 2025-10-07. Review status: criteria provided, single submitter. Criteria: ACMG Guidelines, 2015. Collection method: clinical testing. Allele origin: maternal. Affected: yes. Observed: 1 compound heterozygote.
Comment: ACMG criteria applied: PVS1_Strong, PM2, PP4_Supporting

NM_021738.3(SVIL):c.4192+2T>A

Gene: SVIL (supervillin; minus strand). Cytogenetic location: 10p11.23.
Variant type: single nucleotide variant.
Coding change: c.4192+2T>A on transcript NM_021738.3 (MANE Select); the canonical splice donor site of the intron after coding-DNA position 4192, T replaced by A.
Molecular consequence: splice donor variant.
Genome position (GRCh38, 1-based): chr10:29,490,845, A>T on the plus strand (T>A on the coding strand, the complement: SVIL is on the minus strand). VCF-style: chr10-29490845-A-T. GRCh37 (hg19) VCF-style: chr10-29779774-A-T.
Other names: c.3262+2T>A (NM_001323599.2); c.3010+2T>A (NM_001323600.1); c.2914+2T>A (NM_003174.3).
Identifiers: ClinVar variation 4891242 (VCV004891242.1).